The following is an entry in ClinVar:

NM_152618.3(BBS12):c.1985T>C (p.Val662Ala)

Gene: BBS12 (Bardet-Biedl syndrome 12; plus strand). Cytogenetic location: 4q27.
Variant type: single nucleotide variant.
Coding change: c.1985T>C on transcript NM_152618.3 (MANE Select); coding-DNA position 1985, T replaced by C.
Protein change: p.Val662Ala; replaces valine 662 with alanine.
Molecular consequence: missense variant.
Genome position (GRCh38, 1-based): chr4:122,743,877, T>C. VCF-style: chr4-122743877-T-C. GRCh37 (hg19) VCF-style: chr4-123665032-T-C.
Other names: c.1985T>C, p.Val662Ala (NM_001178007.2); short protein forms V662A.
Identifiers: ClinVar variation 4995308 (VCV004995308.1).

ClinVar aggregate classification (germline): Uncertain significance (1 of 4 stars; one submission).

Conditions:
BBS12-related disorder. Also called: BBS12-related condition.

Submission:

PreventionGenetics, part of Exact Sciences
Classification: Uncertain significance for BBS12-related condition. Last evaluated: 2026-04-02. Review status: criteria provided, single submitter. Criteria: ACMG Guidelines, 2015. Collection method: clinical testing. Allele origin: germline.
Comment: The BBS12 c.1985T>C variant is predicted to result in the amino acid substitution p.Val662Ala. To our knowledge, this variant has not been reported in the literature or in a large population database (gnomAD), indicating this variant is rare. At this time, the clinical significance of this variant is uncertain due to the absence of conclusive functional and genetic evidence.